The following is an entry in ClinVar:

ClinVar aggregate classification (germline): Uncertain significance (1 of 4 stars; one submission).

Conditions:
Acrocallosal syndrome (ACLS). Also called: Schinzel syndrome 1; Absence of corpus callosum with unusual facial appearance, mental deficiency, duplication of the halluces and polydactyly; HALLUX DUPLICATION, POSTAXIAL POLYDACTYLY, AND ABSENCE OF CORPUS CALLOSUM. Identifiers: Orphanet 36, MedGen C0796147, MONDO:0008708, OMIM 200990.

Allele frequency attached by ClinVar (database versions not stated): gnomAD exomes below 0.00001; gnomAD 0.00001.

Submission:

Labcorp Genetics (formerly Invitae), Labcorp
Classification: Uncertain significance for Acrocallosal syndrome. Last evaluated: 2022-01-20. Review status: criteria provided, single submitter. Criteria: Invitae Variant Classification Sherloc (09022015). Collection method: clinical testing. Allele origin: germline.
Comment: This variant disrupts a region of the KIF7 protein in which other variant(s) (p.Glu987Lys) have been observed in individuals with KIF7-related conditions (PMID: 25131622, 26174511). This suggests that this is a clinically significant region of the protein, and that variants that disrupt it are likely to be disease-causing. In summary, the available evidence is currently insufficient to determine the role of this variant in disease. Therefore, it has been classified as a Variant of Uncertain Significance. This variant has not been reported in the literature in individuals affected with KIF7-related conditions. This variant is present in population databases (no rsID available, gnomAD 0.01%). This variant, c.2959_2961del, results in the deletion of 1 amino acid(s) of the KIF7 protein (p.Glu987del), but otherwise preserves the integrity of the reading frame.

Literature cited by the submitters: PubMed 25131622; PubMed 26174511.

NM_198525.3(KIF7):c.2959_2961del (p.Glu987del)

Gene: KIF7 (kinesin family member 7; minus strand). Cytogenetic location: 15q26.1.
Variant type: Deletion.
Coding change: c.2959_2961del on transcript NM_198525.3 (MANE Select); coding-DNA positions 2959 to 2961, 3 bases deleted (GAG; older notation c.2959_2961delGAG).
Protein change: p.Glu987del; deletes glutamic acid 987.
Molecular consequence: inframe deletion.
Genome position (GRCh38, 1-based): chr15:89,631,645-89,631,647, CTC deleted on the plus strand (GAG on the coding strand, the reverse complement: KIF7 is on the minus strand). VCF-style (leftmost placement, unchanged base first): chr15-89631644-TCTC-T. GRCh37 (hg19) VCF-style: chr15-90174875-TCTC-T.
Other names: short protein forms E987del.
Identifiers: ClinVar variation 2085782 (VCV002085782.4), dbSNP rs1167597678, ClinGen allele CA619858274.